The following is an entry in ClinVar:

ClinVar aggregate classification (germline): Uncertain significance (1 of 4 stars; one submission).

Submission:

GeneDx
Classification: Uncertain significance. Last evaluated: 2023-02-24. Review status: criteria provided, single submitter. Criteria: GeneDx Variant Classification Process June 2021. Collection method: clinical testing. Allele origin: germline. Affected: yes.
Comment: Not observed at significant frequency in large population cohorts (gnomAD); In silico analysis supports that this missense variant does not alter protein structure/function; Has not been previously published as pathogenic or benign to our knowledge

NM_014795.4(ZEB2):c.2677C>A (p.Pro893Thr)

Gene: ZEB2 (zinc finger E-box binding homeobox 2; minus strand). Cytogenetic location: 2q22.3.
Variant type: single nucleotide variant.
Coding change: c.2677C>A on transcript NM_014795.4 (MANE Select); coding-DNA position 2677, C replaced by A.
Protein change: p.Pro893Thr; replaces proline 893 with threonine.
Molecular consequence: missense variant.
Genome position (GRCh38, 1-based): chr2:144,398,510, G>T on the plus strand (C>A on the coding strand, the complement: ZEB2 is on the minus strand). VCF-style: chr2-144398510-G-T. GRCh37 (hg19) VCF-style: chr2-145156077-G-T.
Other names: c.2605C>A, p.Pro869Thr (NM_001171653.2); short protein forms P869T, P893T.
Identifiers: ClinVar variation 2443685 (VCV002443685.1), dbSNP rs2549105765, ClinGen allele CA348707445.